The following is an entry in ClinVar:

ClinVar aggregate classification (germline): Benign/Likely benign. Review status: criteria provided, multiple submitters, no conflicts (2 of 4 stars). 4 submissions from 4 submitters: Benign (1); Likely benign (2). 1 of the submissions does not count toward it. Last evaluated 2025-12-12.

Conditions:
CNOT1-related disorder. Also called: CNOT1-related condition.
Inborn genetic diseases. Identifiers: MedGen C0950123, MeSH D030342.

Allele frequency attached by ClinVar (database versions not stated): ESP Exome Variant Server 0.00062; gnomAD 0.00064; ExAC 0.00066; TOPMed 0.00068; gnomAD exomes 0.00098.
gnomAD v4.1: 1,509 of 1,610,394 alleles (0.094%); highest among the groups gnomAD compares: Non-Finnish European, 0.12%; no homozygotes.

Submissions (4):

Labcorp Genetics (formerly Invitae), Labcorp
Classification: Benign. Last evaluated: 2025-12-12. Review status: criteria provided, single submitter. Criteria: Invitae Variant Classification Sherloc (09022015). Collection method: clinical testing. Allele origin: germline.

CeGaT Center for Human Genetics Tuebingen
Classification: Likely benign. Last evaluated: 2023-02-01. Review status: criteria provided, single submitter. Criteria: CeGaT Center For Human Genetics Tuebingen Variant Classification Criteria Version 2. Collection method: clinical testing. Allele origin: germline. Affected: yes. Observed: 1 variant allele.
Comment: CNOT1: BP4, BS1

Ambry Genetics
Classification: Likely benign for Inborn genetic diseases. Last evaluated: 2021-08-04. Review status: criteria provided, single submitter. Criteria: Ambry Variant Classification Scheme 2023. Collection method: clinical testing. Allele origin: germline.

PreventionGenetics, part of Exact Sciences
Classification: Likely benign for CNOT1-related condition. Last evaluated: 2019-03-07. Review status: no assertion criteria provided. Collection method: clinical testing. Allele origin: germline. Not counted in ClinVar's aggregate classification.
Comment: This variant is classified as likely benign based on ACMG/AMP sequence variant interpretation guidelines (Richards et al. 2015 PMID: 25741868, with internal and published modifications).

NM_016284.5(CNOT1):c.2480-5A>G

Gene: CNOT1 (CCR4-NOT transcription complex subunit 1; minus strand). Cytogenetic location: 16q21.
Variant type: single nucleotide variant.
Coding change: c.2480-5A>G on transcript NM_016284.5 (MANE Select); 5 bases into the intron before coding-DNA position 2480, A replaced by G.
Molecular consequence: intron variant.
Genome position (GRCh38, 1-based): chr16:58,555,913, T>C on the plus strand (A>G on the coding strand, the complement: CNOT1 is on the minus strand). VCF-style: chr16-58555913-T-C. GRCh37 (hg19) VCF-style: chr16-58589817-T-C.
Other names: c.2465-5A>G (NM_001265612.2); c.2480-5A>G (NM_206999.3, NM_016284.4).
Identifiers: ClinVar variation 2053931 (VCV002053931.30), dbSNP rs374789563, ClinGen allele CA8089621.